The following is an entry in ClinVar:

ClinVar aggregate classification (germline): Uncertain significance. Review status: criteria provided, multiple submitters, no conflicts (2 of 4 stars). 2 submissions from 2 submitters: Uncertain significance (2). Last evaluated 2024-09-03.

Conditions:
SPTB-related disorder. Also called: SPTB-related condition; SPTB-Related Disorders.

Submissions (2):

ARUP Laboratories, Molecular Genetics and Genomics, ARUP Laboratories
Classification: Uncertain significance. Last evaluated: 2024-09-03. Review status: criteria provided, single submitter. Criteria: ARUP Molecular Germline Variant Investigation Process 2024. Collection method: clinical testing. Allele origin: germline.
Comment: The SPTB c.154C>G; p.Arg52Gly variant, to our knowledge, is not reported in the medical literature but is reported in ClinVar (Variation ID: 2633565). This variant is absent from the Genome Aggregation Database (v2.1.1), indicating it is not a common polymorphism. Computational analyses are uncertain whether this variant is neutral or deleterious (REVEL: 0.625). Additionally, other variants at this codon (c.155G>A, p.Arg52Gln; c.154C>T, p.Arg52Trp) have been reported in two individuals, one with hereditary elliptocytosis and one with hereditary spherocytosis, both individuals also carried SPTA1 variants (Christensen 2014, Fermo 2021). Due to limited information, the clinical significance of the p.Arg52Gly variant is uncertain at this time. References: Christensen RD et al. Variations in both alpha-spectrin (SPTA1) and beta-spectrin ( SPTB ) in a neonate with prolonged jaundice in a family where nine individuals had hereditary elliptocytosis. Neonatology. 2014;105(1):1-4. PMID: 24193021. Fermo E et al. Targeted Next Generation Sequencing and Diagnosis of Congenital Hemolytic Anemias: A Three Years Experience Monocentric Study. Front Physiol. 2021 May 21;12:684569. PMID: 34093240.

PreventionGenetics, part of Exact Sciences
Classification: Uncertain significance for SPTB-related condition. Last evaluated: 2023-03-14. Review status: criteria provided, single submitter. Criteria: ACMG Guidelines, 2015. Collection method: clinical testing. Allele origin: germline.
Comment: The SPTB c.154C>G variant is predicted to result in the amino acid substitution p.Arg52Gly. To our knowledge, this variant has not been reported in the literature or in a large population database, indicating this variant is rare. Two different missense change at the same amino acid position have been reported in literature. In one case, a p.Arg52Trp change was identified in a patient with hereditary spherocytosis who also had a SPTA1 variant and in another case, a p.Arg52Gln change was identified in a neonate with prolonged jaundice who also carried two SPTA1 variants (Christensen et al 2014. PubMed ID: 24193021; Fermo et al 2021. PubMed ID: 34093240). At this time, the clinical significance of this variant is uncertain due to the absence of conclusive functional and genetic evidence.

NM_001355436.2(SPTB):c.154C>G (p.Arg52Gly)

Gene: SPTB (spectrin beta, erythrocytic; minus strand). Cytogenetic location: 14q23.3.
Variant type: single nucleotide variant.
Coding change: c.154C>G on transcript NM_001355436.2 (MANE Select); coding-DNA position 154, C replaced by G.
Protein change: p.Arg52Gly; replaces arginine 52 with glycine.
Molecular consequence: missense variant.
Genome position (GRCh38, 1-based): chr14:64,805,085, G>C on the plus strand (C>G on the coding strand, the complement: SPTB is on the minus strand). VCF-style: chr14-64805085-G-C. GRCh37 (hg19) VCF-style: chr14-65271803-G-C.
Other names: c.154C>G, p.Arg52Gly (NM_001024858.4, NM_001355437.2); short protein forms R52G.
Identifiers: ClinVar variation 2633565 (VCV002633565.2), dbSNP rs1594796374, ClinGen allele CA390036248.